The following is an entry in ClinVar:

ClinVar aggregate classification (germline): Uncertain significance (1 of 4 stars; one submission).

Submission:

Labcorp Genetics (formerly Invitae), Labcorp
Classification: Uncertain significance. Last evaluated: 2022-08-31. Review status: criteria provided, single submitter. Criteria: Invitae Variant Classification Sherloc (09022015). Collection method: clinical testing. Allele origin: germline.
Comment: In summary, the available evidence is currently insufficient to determine the role of this variant in disease. Therefore, it has been classified as a Variant of Uncertain Significance. Algorithms developed to predict the effect of missense changes on protein structure and function are either unavailable or do not agree on the potential impact of this missense change (SIFT: "Deleterious"; PolyPhen-2: "Benign"; Align-GVGD: "Class C0"). This variant has not been reported in the literature in individuals affected with KLHL7-related conditions. This variant is not present in population databases (gnomAD no frequency). This sequence change replaces methionine, which is neutral and non-polar, with isoleucine, which is neutral and non-polar, at codon 132 of the KLHL7 protein (p.Met132Ile).

NM_001031710.3(KLHL7):c.396G>A (p.Met132Ile)

Gene: KLHL7 (kelch like family member 7; plus strand). Cytogenetic location: 7p15.3.
Variant type: single nucleotide variant.
Coding change: c.396G>A on transcript NM_001031710.3 (MANE Select); coding-DNA position 396, G replaced by A.
Protein change: p.Met132Ile; replaces methionine 132 with isoleucine.
Molecular consequence: missense variant. On other transcripts: non-coding transcript variant (2).
Genome position (GRCh38, 1-based): chr7:23,125,126, G>A. VCF-style: chr7-23125126-G-A. GRCh37 (hg19) VCF-style: chr7-23164745-G-A.
Other names: c.396G>A, p.Met132Ile (NM_001172428.2); c.252G>A, p.Met84Ile (NM_018846.5); short protein forms M132I, M84I.
Identifiers: ClinVar variation 1718499 (VCV001718499.5), dbSNP rs2534811766, ClinGen allele CA366975678.